The following is an entry in ClinVar:

NM_001101362.3(KBTBD13):c.890del (p.Gly297fs)

Gene: KBTBD13 (kelch repeat and BTB domain containing 13; plus strand). Cytogenetic location: 15q22.31.
Variant type: Deletion.
Coding change: c.890del on transcript NM_001101362.3 (MANE Select); coding-DNA position 890, one base deleted (G; older notation c.890delG).
Protein change: p.Gly297fs; shifts the reading frame from glycine 297.
Molecular consequence: frameshift variant.
Genome position (GRCh38, 1-based): chr15:65,077,705, G deleted; the last of 2 consecutive G bases (chr15:65,077,704-65,077,705); deleting either gives the same sequence. VCF-style (leftmost placement, unchanged base first): chr15-65077703-CG-C. GRCh37 (hg19) VCF-style: chr15-65370041-CG-C.
Other names: short protein forms G297fs.
Identifiers: ClinVar variation 3610076 (VCV003610076.2).

ClinVar aggregate classification (germline): Uncertain significance (1 of 4 stars; one submission).

Conditions:
Nemaline myopathy 6 (NEM6). Also called: Nemaline myopathy 6, autosomal dominant. Identifiers: Orphanet 171439, MedGen C1836472, MONDO:0012237, OMIM 609273.

Submission:

Labcorp Genetics (formerly Invitae), Labcorp
Classification: Uncertain significance for Nemaline myopathy 6. Last evaluated: 2024-12-21. Review status: criteria provided, single submitter. Criteria: Invitae Variant Classification Sherloc (09022015). Collection method: clinical testing. Allele origin: germline.
Comment: This sequence change creates a premature translational stop signal (p.Gly297Alafs*145) in the KBTBD13 gene. While this is not anticipated to result in nonsense mediated decay, it is expected to disrupt the last 162 amino acid(s) of the KBTBD13 protein. This variant is present in population databases (rs771468637, gnomAD 0.005%). This variant has not been reported in the literature in individuals affected with KBTBD13-related conditions. Experimental studies and prediction algorithms are not available or were not evaluated, and the functional significance of this variant is currently unknown. In summary, the available evidence is currently insufficient to determine the role of this variant in disease. Therefore, it has been classified as a Variant of Uncertain Significance.